The following is an entry in ClinVar:

NM_000257.4(MYH7):c.2282C>T (p.Thr761Ile)

Gene: MYH7 (myosin heavy chain 7; minus strand). Cytogenetic location: 14q11.2.
Variant type: single nucleotide variant.
Coding change: c.2282C>T on transcript NM_000257.4 (MANE Select); coding-DNA position 2282, C replaced by T.
Protein change: p.Thr761Ile; replaces threonine 761 with isoleucine.
Molecular consequence: missense variant.
Genome position (GRCh38, 1-based): chr14:23,425,699, G>A on the plus strand (C>T on the coding strand, the complement: MYH7 is on the minus strand). VCF-style: chr14-23425699-G-A. GRCh37 (hg19) VCF-style: chr14-23894908-G-A.
Other names: c.2282C>T, p.Thr761Ile (NM_001407004.1); short protein forms T761I.
Identifiers: ClinVar variation 2577034 (VCV002577034.2), dbSNP rs1555337846, ClinGen allele CA389048746.

ClinVar aggregate classification (germline): Likely pathogenic (1 of 4 stars; one submission).

Conditions:
Hypertrophic cardiomyopathy 1 (CMH1). Also called: Familial hypertrophic cardiomyopathy 1; MYH7-Related Familial Hypertrophic Cardiomyopathy. Identifiers: MedGen C3495498, MONDO:0008647, OMIM 192600.

Submission:

Petrovsky National Research Centre of Surgery, The Federal Agency for Scientific Organizations
Classification: Likely pathogenic for Hypertrophic cardiomyopathy 1. Last evaluated: 2023-07-31. Review status: criteria provided, single submitter. Criteria: ACMG Guidelines, 2015. Collection method: clinical testing. Allele origin: germline. Inheritance: Autosomal dominant inheritance. Affected: yes. Observed: 1 heterozygote.
Comment: We found heterozygous variant NM_000257.4:c.2282C>T (p.Thr761Ile) in MYH7 gene during cascade genetic testing of the family members with HCM. The variant c.2282C>T is absent in The Genome Aggregation Database (gnomAD) (Date of access: 31-07-2023). This variant has not been reported in any study to our knowledge. In accordance with «Adaptation and validation of the ACMG/AMP variant classification framework for MYH7-associated inherited cardiomyopathies: recommendations by ClinGen’s Inherited Cardiomyopathy Expert Panel» criteria this variant is classified as a pathogenic variant with the following criteria selected: PM1, PM2, PP1_Supporting, PP3.

Literature cited by the submitters: PubMed 29300372.